The following is an entry in ClinVar:

ClinVar aggregate classification (germline): Uncertain significance (1 of 4 stars; one submission).

Submission:

Labcorp Genetics (formerly Invitae), Labcorp
Classification: Uncertain significance. Last evaluated: 2025-06-19. Review status: criteria provided, single submitter. Criteria: Invitae Variant Classification Sherloc (09022015). Collection method: clinical testing. Allele origin: germline.
Comment: This sequence change replaces valine, which is neutral and non-polar, with isoleucine, which is neutral and non-polar, at codon 530 of the ITGAM protein (p.Val530Ile). This variant is not present in population databases (gnomAD no frequency). This variant has not been reported in the literature in individuals affected with ITGAM-related conditions. An algorithm developed to predict the effect of missense changes on protein structure and function (PolyPhen-2) suggests that this variant is likely to be tolerated. In summary, the available evidence is currently insufficient to determine the role of this variant in disease. Therefore, it has been classified as a Variant of Uncertain Significance.

NM_000632.4(ITGAM):c.1588G>A (p.Val530Ile)

Gene: ITGAM (integrin subunit alpha M; plus strand). Cytogenetic location: 16p11.2.
Variant type: single nucleotide variant.
Coding change: c.1588G>A on transcript NM_000632.4 (MANE Select); coding-DNA position 1588, G replaced by A.
Protein change: p.Val530Ile; replaces valine 530 with isoleucine.
Molecular consequence: missense variant.
Genome position (GRCh38, 1-based): chr16:31,297,835, G>A. VCF-style: chr16-31297835-G-A. GRCh37 (hg19) VCF-style: chr16-31309156-G-A.
Other names: c.1591G>A, p.Val531Ile (NM_001145808.2); short protein forms V530I, V531I.
Identifiers: ClinVar variation 4708242 (VCV004708242.1).
Genomic context (GRCh38, chr16:31,297,835, plus strand): 5'-TACGGGGAGCAGGGCCAACCCTGGGGCCGCTTTGGGGCAGCCCTAACAGTGCTGGGGGAC[G>A]TAAATGGGGACAAGCTGACGGACGTGGCCATTGGGGCCCCAGGAGAGGAGGACAACCGGG-3'
Protein context (NP_000623.2, residues 520-540): FGAALTVLGD[Val530Ile]NGDKLTDVAI